The following is an entry in ClinVar:

NM_001005242.3(PKP2):c.409G>A (p.Glu137Lys)

Gene: PKP2 (plakophilin 2; minus strand). Cytogenetic location: 12p11.21.
Variant type: single nucleotide variant.
Coding change: c.409G>A on transcript NM_001005242.3 (MANE Select); coding-DNA position 409, G replaced by A.
Protein change: p.Glu137Lys; replaces glutamic acid 137 with lysine.
Molecular consequence: missense variant.
Genome position (GRCh38, 1-based): chr12:32,878,471, C>T on the plus strand (G>A on the coding strand, the complement: PKP2 is on the minus strand). VCF-style: chr12-32878471-C-T. GRCh37 (hg19) VCF-style: chr12-33031405-C-T.
Other names: c.409G>A, p.Glu137Lys (NM_004572.4); short protein forms E137K.
Identifiers: ClinVar variation 229146 (VCV000229146.26), dbSNP rs781739949, ClinGen allele CA037294.
Genomic context (GRCh38, chr12:32,878,471, plus strand): 5'-CCGGGCTGCTGTCAGGAGAAATCTCCAGTCTCCTCAGAGGATGCCTCAAGGACCTTTCTT[C>T]CACGGACTTCTGGGAGCTGTACTGTGCTGTTCCTCTTCCCCAGCGACCTTCATAAGTGGC-3'
Protein context (NP_001005242.2, residues 127-147): TAQYSSQKSV[Glu137Lys]ERSLRHPLRR

ClinVar aggregate classification (germline): Uncertain significance. Review status: criteria provided, multiple submitters, no conflicts (2 of 4 stars). 6 submissions from 6 submitters: Uncertain significance (6). Last evaluated 2023-11-02.

Conditions:
Cardiomyopathy (CMYO). Also called: Cardiomyopathies. Identifiers: Orphanet 167848, MedGen C0878544, MONDO:0004994, HP:0001638. Inheritance: Various modes of inheritance.
Arrhythmogenic right ventricular dysplasia 9 (ARVD9). Also called: Arrhythmogenic Right Ventricular Dysplasia/Cardiomyopathy 9; ARRHYTHMOGENIC RIGHT VENTRICULAR DYSPLASIA, FAMILIAL, 9. Identifiers: MedGen C1836906, MONDO:0012180, OMIM 609040.
Arrhythmogenic right ventricular cardiomyopathy (ARVD). Also called: Cardiomyopathy, ARVC; Arrhythmogenic right ventricular dysplasia; Arrhythmogenic cardiomyopathy; Arrhythmogenic Right Ventricular Cardiomyopathy (ARVC). Identifiers: Orphanet 247, MedGen C0349788, MeSH D019571, MONDO:0016587. Disease mechanism: loss of function. Inheritance: Various modes of inheritance.

Allele frequency attached by ClinVar (database versions not stated): gnomAD exomes below 0.00001; TOPMed below 0.00001; ExAC 0.00001; gnomAD 0.00001.
gnomAD v4.1: 3 of 1,613,902 alleles (0.00019%); highest among the groups gnomAD compares: Non-Finnish European, 0.00025%; no homozygotes.

Submissions (6):

All of Us Research Program, National Institutes of Health
Classification: Uncertain significance for Arrhythmogenic right ventricular cardiomyopathy. Last evaluated: 2023-11-02. Review status: criteria provided, single submitter. Criteria: ACMG Guidelines, 2015. Collection method: clinical testing. Allele origin: germline. Inheritance: Autosomal dominant inheritance. Observed: 2 variant alleles, 2 heterozygotes.
Comment: This missense variant replaces glutamic acid with lysine at codon 137 of the PKP2 protein. Computational prediction suggests that this variant may not impact protein structure and function (internally defined REVEL score threshold <= 0.5, PMID: 27666373). Splice site prediction tools suggest that this variant may not impact RNA splicing. To our knowledge, functional studies have not been performed for this variant. This variant has been reported in an individual affected with arrhythmogenic right ventricular cardiomyopathy (PMID: 19863551). This variant has been identified in 1/251166 chromosomes in the general population by the Genome Aggregation Database (gnomAD). The available evidence is insufficient to determine the role of this variant in disease conclusively. Therefore, this variant is classified as a Variant of Uncertain Significance.

This study involves interpretation of variants in research participants for the purpose of population health screening. Participant phenotype was not available at the time of variant classification. Additional details can be found in publication PMID: 35346344, PMCID: PMC8962531

Color Diagnostics, LLC DBA Color Health
Classification: Uncertain significance for Cardiomyopathy. Last evaluated: 2023-10-18. Review status: criteria provided, single submitter. Criteria: ACMG Guidelines, 2015. Collection method: clinical testing. Allele origin: germline.
Comment: This missense variant replaces glutamic acid with lysine at codon 137 of the PKP2 protein. Computational prediction suggests that this variant may not impact protein structure and function (internally defined REVEL score threshold <= 0.5, PMID: 27666373). To our knowledge, functional studies have not been reported for this variant. This variant has been reported in one individual affected with arrhythmogenic right ventricular cardiomyopathy (PMID: 19863551). This variant has been identified in 1/251166 chromosomes in the general population by the Genome Aggregation Database (gnomAD). The available evidence is insufficient to determine the role of this variant in disease conclusively. Therefore, this variant is classified as a Variant of Uncertain Significance.

GeneDx
Classification: Uncertain significance. Last evaluated: 2022-04-11. Review status: criteria provided, single submitter. Criteria: GeneDx Variant Classification Process June 2021. Collection method: clinical testing. Allele origin: germline. Affected: yes.
Comment: Identified in a patient with heart palpitations and family history of sudden death, however, this individual had not yet met clinical criteria for a diagnosis of arrhythmogenic right ventricular cardiomyopathy in the published literature (Barahona-Dussault et al., 2010); Not observed at significant frequency in large population cohorts (gnomAD); In silico analysis supports that this missense variant does not alter protein structure/function; This variant is associated with the following publications: (PMID: 19863551, 31402444)

Labcorp Genetics (formerly Invitae), Labcorp
Classification: Uncertain significance for Arrhythmogenic right ventricular dysplasia 9. Last evaluated: 2019-01-26. Review status: criteria provided, single submitter. Criteria: Invitae Variant Classification Sherloc (09022015). Collection method: clinical testing. Allele origin: germline.
Comment: This sequence change replaces glutamic acid with lysine at codon 137 of the PKP2 protein (p.Glu137Lys). The glutamic acid residue is moderately conserved and there is a small physicochemical difference between glutamic acid and lysine. This variant is present in population databases (rs781739949, ExAC 0.002%). In summary, the available evidence is currently insufficient to determine the role of this variant in disease. Therefore, it has been classified as a Variant of Uncertain Significance. Algorithms developed to predict the effect of missense changes on protein structure and function are either unavailable or do not agree on the potential impact of this missense change (SIFT: "Tolerated"; PolyPhen-2: "Probably Damaging"; Align-GVGD: "Class C0"). This variant has been observed in an individual affected with arrhythmogenic right ventricular cardiomyopathy (PMID: 19863551). ClinVar contains an entry for this variant (Variation ID: 229146).

Laboratory for Molecular Medicine, Mass General Brigham Personalized Medicine
Classification: Uncertain significance. Last evaluated: 2015-11-13. Review status: criteria provided, single submitter. Criteria: LMM Criteria. Collection method: clinical testing. Allele origin: germline. Observed: 1 variant allele.
Comment: Computational prediction tool s and conservation analysis do not provide strong support for or against an impa ct to the protein. In summary, the clinical significance of the p.Glu137Lys vari ant is uncertain.

Molecular Diagnostic Laboratory for Inherited Cardiovascular Disease, Montreal Heart Institute
Classification: Uncertain significance for Arrhythmogenic right ventricular cardiomyopathy. Review status: criteria provided, single submitter. Criteria: ACMG Guidelines, 2015. Collection method: clinical testing. Allele origin: germline. Affected: yes.

Literature cited by the submitters: PubMed 19863551 (cited by 4 submitters).